The following is an entry in ClinVar:

NM_001354604.2(MITF):c.899A>C (p.Glu300Ala)

Gene: MITF (melanocyte inducing transcription factor; plus strand). Cytogenetic location: 3p13.
Variant type: single nucleotide variant.
Coding change: c.899A>C on transcript NM_001354604.2 (MANE Select); coding-DNA position 899, A replaced by C.
Protein change: p.Glu300Ala; replaces glutamic acid 300 with alanine.
Molecular consequence: missense variant.
Genome position (GRCh38, 1-based): chr3:69,951,830, A>C. VCF-style: chr3-69951830-A-C. GRCh37 (hg19) VCF-style: chr3-70000981-A-C.
Other names: c.578A>C, p.Glu193Ala (NM_000248.4); c.725A>C, p.Glu242Ala (NM_001184967.2, NM_001354608.2); c.896A>C, p.Glu299Ala (NM_001354605.2); c.878A>C, p.Glu293Ala (NM_001354606.2, NM_006722.3); c.830A>C, p.Glu277Ala (NM_001354607.2); c.560A>C, p.Glu187Ala (NM_198158.3); c.881A>C, p.Glu294Ala (NM_198159.3); c.833A>C, p.Glu278Ala (NM_198177.3); and 1 more; short protein forms E300A, E242A, E293A, E131A, E294A, E187A, E193A, E277A.
Identifiers: ClinVar variation 4055166 (VCV004055166.1).

ClinVar aggregate classification (germline): Uncertain significance (1 of 4 stars; one submission).

Conditions:
Hereditary cancer-predisposing syndrome. Also called: Neoplastic Syndromes, Hereditary; Tumor predisposition; Hereditary neoplastic syndrome; Hereditary Cancer Syndrome. Identifiers: Orphanet 140162, MedGen C0027672, MeSH D009386, MONDO:0015356.

Submission:

Ambry Genetics
Classification: Uncertain significance for Hereditary cancer-predisposing syndrome. Last evaluated: 2025-03-17. Review status: criteria provided, single submitter. Criteria: Ambry Variant Classification Scheme 2023. Collection method: clinical testing. Allele origin: germline.
Comment: The p.E193A variant (also known as c.578A>C), located in coding exon 6 of the MITF gene, results from an A to C substitution at nucleotide position 578. The glutamic acid at codon 193 is replaced by alanine, an amino acid with dissimilar properties. This amino acid position is conserved. In addition, the in silico prediction for this alteration is inconclusive. Based on the available evidence, the clinical significance of this variant remains unclear.